The following is an entry in ClinVar:

NM_001372051.1(CASP8):c.1001A>G (p.Tyr334Cys)

Gene: CASP8 (caspase 8; plus strand). Cytogenetic location: 2q33.1.
Variant type: single nucleotide variant.
Coding change: c.1001A>G on transcript NM_001372051.1 (MANE Select); coding-DNA position 1001, A replaced by G.
Protein change: p.Tyr334Cys; replaces tyrosine 334 with cysteine.
Molecular consequence: missense variant. On other transcripts: non-coding transcript variant (22), intron variant (1).
Genome position (GRCh38, 1-based): chr2:201,285,014, A>G. VCF-style: chr2-201285014-A-G. GRCh37 (hg19) VCF-style: chr2-202149737-A-G.
Other names: c.956A>G, p.Tyr319Cys (NM_001080124.2, NM_001400658.1, NM_001400659.1 and 5 more transcripts); c.1178A>G, p.Tyr393Cys (NM_001080125.2); c.1052A>G, p.Tyr351Cys (NM_001228.5); c.1133A>G, p.Tyr378Cys (NM_001400642.1); c.1034A>G, p.Tyr345Cys (NM_001400645.1); c.1001A>G, p.Tyr334Cys (NM_001400648.1, NM_001400651.1, NM_001400653.1 and 5 more transcripts); c.932A>G, p.Tyr311Cys (NM_001400664.1); c.926A>G, p.Tyr309Cys (NM_001400665.1); and 7 more; short protein forms Y351C, Y334C, Y393C, Y319C, Y120C, Y129C, Y135C, Y231C.
Identifiers: ClinVar variation 533729 (VCV000533729.8), dbSNP rs772661314, ClinGen allele CA2053735.

ClinVar aggregate classification (germline): Uncertain significance (1 of 4 stars; one submission).

Conditions:
Autoimmune lymphoproliferative syndrome type 2B. Also called: AUTOIMMUNE LYMPHOPROLIFERATIVE SYNDROME, TYPE IIB. Identifiers: Orphanet 275517, MedGen C1846545, MONDO:0011804, OMIM 607271.

Allele frequency attached by ClinVar (database versions not stated): gnomAD 0.00001; gnomAD exomes 0.00002 and 0.00003; TOPMed 0.00003; ExAC 0.00004.
gnomAD v4.1: 52 of 1,614,010 alleles (0.0032%); highest among the groups gnomAD compares: Non-Finnish European, 0.004%; no homozygotes.

Submission:

Labcorp Genetics (formerly Invitae), Labcorp
Classification: Uncertain significance for Autoimmune lymphoproliferative syndrome type 2B. Last evaluated: 2025-10-27. Review status: criteria provided, single submitter. Criteria: Invitae Variant Classification Sherloc (09022015). Collection method: clinical testing. Allele origin: germline.
Comment: This sequence change replaces tyrosine, which is neutral and polar, with cysteine, which is neutral and slightly polar, at codon 351 of the CASP8 protein (p.Tyr351Cys). This variant is present in population databases (rs772661314, gnomAD 0.005%). This variant has not been reported in the literature in individuals affected with CASP8-related conditions. ClinVar contains an entry for this variant (Variation ID: 533729). Invitae Evidence Modeling of protein sequence and biophysical properties (such as structural, functional, and spatial information, amino acid conservation, physicochemical variation, residue mobility, and thermodynamic stability) indicates that this missense variant is not expected to disrupt CASP8 protein function with a negative predictive value of 80%. In summary, the available evidence is currently insufficient to determine the role of this variant in disease. Therefore, it has been classified as a Variant of Uncertain Significance.